The following is an entry in ClinVar:

NM_016030.6(TRAPPC12):c.1678-2A>G

Gene: TRAPPC12 (trafficking protein particle complex subunit 12; plus strand). Cytogenetic location: 2p25.3.
Variant type: single nucleotide variant.
Coding change: c.1678-2A>G on transcript NM_016030.6 (MANE Select); the canonical splice acceptor site of the intron before coding-DNA position 1678, A replaced by G.
Molecular consequence: splice acceptor variant.
Genome position (GRCh38, 1-based): chr2:3,465,595, A>G. VCF-style: chr2-3465595-A-G. GRCh37 (hg19) VCF-style: chr2-3469366-A-G.
Other names: c.1678-2A>G (NM_001321102.2).
Identifiers: ClinVar variation 2585067 (VCV002585067.1), dbSNP rs2528802018, ClinGen allele CA345742275.

ClinVar aggregate classification (germline): Likely pathogenic (1 of 4 stars; one submission).

Conditions:
Early-onset progressive encephalopathy-hearing loss-pons hypoplasia-brain atrophy syndrome. Also called: ENCEPHALOPATHY, PROGRESSIVE, EARLY-ONSET, WITH BRAIN ATROPHY AND SPASTICITY. Identifiers: Orphanet 500144, MedGen C5567229, MONDO:0044696, OMIM 617669.

gnomAD v4.1: 1 of 1,612,190 alleles (0.000062%); highest among the groups gnomAD compares: South Asian, 0.0011%; no homozygotes.

Submission:

Neuberg Centre For Genomic Medicine, NCGM
Classification: Likely pathogenic for Early-onset progressive encephalopathy-hearing loss-pons hypoplasia-brain atrophy syndrome. Review status: criteria provided, single submitter. Criteria: ACMG Guidelines, 2015. Collection method: clinical testing. Allele origin: germline. Inheritance: Autosomal recessive inheritance. Affected: yes.
Comment: The splice acceptor variant c.1678-2A>G in TRAPPC12 gene has not been reported previously as a pathogenic variant nor as a benign variant, to our knowledge. The c.1678-2A>G variant is novel (not in any individuals) in gnomAD exomes and is novel (not in any individuals) in 1000 Genomes. This variant has not been reported to the ClinVar database. Loss of function variants have been previously reported to be disease causing. For these reasons, this variant has been classified as Likely Pathogenic